The following is an entry in ClinVar:

NM_001166108.2(PALLD):c.1568C>T (p.Ala523Val)

Gene: PALLD (palladin, cytoskeletal associated protein; plus strand). Cytogenetic location: 4q32.3.
Variant type: single nucleotide variant.
Coding change: c.1568C>T on transcript NM_001166108.2 (MANE Select); coding-DNA position 1568, C replaced by T.
Protein change: p.Ala523Val; replaces alanine 523 with valine.
Molecular consequence: missense variant.
Genome position (GRCh38, 1-based): chr4:168,709,094, C>T. VCF-style: chr4-168709094-C-T. GRCh37 (hg19) VCF-style: chr4-169630245-C-T.
Other names: c.422C>T, p.Ala141Val (NM_001166109.2); c.1568C>T, p.Ala523Val (NM_016081.4); short protein forms A141V, A523V.
Identifiers: ClinVar variation 1775417 (VCV001775417.2), dbSNP rs768657723, ClinGen allele CA3135677.

ClinVar aggregate classification (germline): Uncertain significance (1 of 4 stars; one submission).

Allele frequency attached by ClinVar (database versions not stated): gnomAD exomes below 0.00001; ExAC 0.00001.
gnomAD v4.1: 1 of 1,613,552 alleles (0.000062%); highest among the groups gnomAD compares: Non-Finnish European, 0.000085%; no homozygotes.

Submission:

Ambry Genetics
Classification: Uncertain significance. Last evaluated: 2021-07-20. Review status: criteria provided, single submitter. Criteria: Ambry Variant Classification Scheme 2023. Collection method: clinical testing. Allele origin: germline.
Comment: The p.A523V variant (also known as c.1568C>T), located in coding exon 8 of the PALLD gene, results from a C to T substitution at nucleotide position 1568. The alanine at codon 523 is replaced by valine, an amino acid with similar properties. This amino acid position is conserved. In addition, the in silico prediction for this alteration is inconclusive. Since supporting evidence is limited at this time, the clinical significance of this alteration remains unclear.